The following is an entry in ClinVar:

ClinVar aggregate classification (germline): Uncertain significance (1 of 4 stars; one submission).

Submission:

Women's Health and Genetics/Laboratory Corporation of America, LabCorp
Classification: Uncertain significance. Last evaluated: 2024-12-05. Review status: criteria provided, single submitter. Criteria: LabCorp Variant Classification Summary - May 2015. Collection method: clinical testing. Allele origin: germline.
Comment: Variant summary: HYDIN c.5329G>A (p.Asp1777Asn) results in a conservative amino acid change located in one of the Immunoglobulin-like folds (IPR013783) of the encoded protein sequence. Three of three in-silico tools predict a benign effect of the variant on protein function. The variant allele was found at a frequency of 3.7e-06 in 533384 control chromosomes in the gnomAD database (v4.1 dataset). The available data on variant occurrences in the general population are insufficient to allow any conclusion about variant significance. To our knowledge, no occurrence of c.5329G>A in individuals affected with Primary Ciliary Dyskinesia 5 and no experimental evidence demonstrating its impact on protein function have been reported. No submitters have cited clinical-significance assessments for this variant to ClinVar. Based on the evidence outlined above, the variant was classified as uncertain significance.

NM_001270974.2(HYDIN):c.5329G>A (p.Asp1777Asn)

Gene: HYDIN (HYDIN axonemal central pair apparatus protein; minus strand). Cytogenetic location: 16q22.2.
Variant type: single nucleotide variant.
Coding change: c.5329G>A on transcript NM_001270974.2 (MANE Select); coding-DNA position 5329, G replaced by A.
Protein change: p.Asp1777Asn; replaces aspartic acid 1777 with asparagine.
Molecular consequence: missense variant.
Genome position (GRCh38, 1-based): chr16:70,973,393, C>T on the plus strand (G>A on the coding strand, the complement: HYDIN is on the minus strand). VCF-style: chr16-70973393-C-T. GRCh37 (hg19) VCF-style: chr16-71007296-C-T.
Other names: short protein forms D1777N.
Identifiers: ClinVar variation 3768230 (VCV003768230.1).